The following is an entry in ClinVar:

NM_144997.7(FLCN):c.1262G>A (p.Ser421Asn)

Gene: FLCN (folliculin; minus strand). Cytogenetic location: 17p11.2.
Variant type: single nucleotide variant.
Coding change: c.1262G>A on transcript NM_144997.7 (MANE Select); coding-DNA position 1262, G replaced by A.
Protein change: p.Ser421Asn; replaces serine 421 with asparagine.
Molecular consequence: missense variant.
Genome position (GRCh38, 1-based): chr17:17,216,418, C>T on the plus strand (G>A on the coding strand, the complement: FLCN is on the minus strand). VCF-style: chr17-17216418-C-T. GRCh37 (hg19) VCF-style: chr17-17119732-C-T.
Other names: c.1316G>A, p.Ser439Asn (NM_001353229.2); c.1262G>A, p.Ser421Asn (NM_001353230.2, NM_001353231.2); short protein forms S421N, S439N.
Identifiers: ClinVar variation 843120 (VCV000843120.13), dbSNP rs368175757, ClinGen allele CA288307278.

ClinVar aggregate classification (germline): Uncertain significance. Review status: criteria provided, multiple submitters, no conflicts (2 of 4 stars). 5 submissions from 5 submitters: Uncertain significance (4). 1 of the submissions does not count toward it. Last evaluated 2024-02-26.

Conditions:
Birt-Hogg-Dube syndrome. Also called: Birt Hogg Dubé syndrome. Identifiers: Orphanet 122, MedGen C0346010, MONDO:0800444.
FLCN-related disorder. Also called: FLCN-related condition.
Hereditary cancer-predisposing syndrome. Also called: Neoplastic Syndromes, Hereditary; Hereditary neoplastic syndrome; Tumor predisposition; Hereditary Cancer Syndrome. Identifiers: Orphanet 140162, MedGen C0027672, MeSH D009386, MONDO:0015356.

Allele frequency attached by ClinVar (database versions not stated): gnomAD exomes below 0.00001; TOPMed below 0.00001; gnomAD 0.00001; ESP Exome Variant Server 0.00008.
gnomAD v4.1: 4 of 1,613,700 alleles (0.00025%); highest among the groups gnomAD compares: Non-Finnish European, 0.00017%; no homozygotes.

Submissions (5):

Ambry Genetics
Classification: Uncertain significance for Hereditary cancer-predisposing syndrome. Last evaluated: 2024-02-26. Review status: criteria provided, single submitter. Criteria: Ambry Variant Classification Scheme 2023. Collection method: clinical testing. Allele origin: germline.
Comment: The p.S421N variant (also known as c.1262G>A), located in coding exon 8 of the FLCN gene, results from a G to A substitution at nucleotide position 1262. The serine at codon 421 is replaced by asparagine, an amino acid with highly similar properties. This amino acid position is well conserved in available vertebrate species. In addition, the in silico prediction for this alteration is inconclusive. Since supporting evidence is limited at this time, the clinical significance of this alteration remains unclear.

GeneDx
Classification: Uncertain significance. Last evaluated: 2024-01-28. Review status: criteria provided, single submitter. Criteria: GeneDx Variant Classification Process June 2021. Collection method: clinical testing. Allele origin: germline. Affected: yes.
Comment: Not observed at significant frequency in large population cohorts (gnomAD); In silico analysis supports that this missense variant does not alter protein structure/function; Has not been previously published as pathogenic or benign to our knowledge; This variant is associated with the following publications: (PMID: 17028174)

Baylor Genetics
Classification: Uncertain significance for Birt-Hogg-Dube syndrome 1. Last evaluated: 2023-08-10. Review status: criteria provided, single submitter. Criteria: ACMG Guidelines, 2015. Collection method: clinical testing. Allele origin: unknown.

Labcorp Genetics (formerly Invitae), Labcorp
Classification: Uncertain significance for Birt-Hogg-Dube syndrome. Last evaluated: 2023-03-22. Review status: criteria provided, single submitter. Criteria: Invitae Variant Classification Sherloc (09022015). Collection method: clinical testing. Allele origin: germline.
Comment: In summary, the available evidence is currently insufficient to determine the role of this variant in disease. Therefore, it has been classified as a Variant of Uncertain Significance. Advanced modeling of protein sequence and biophysical properties (such as structural, functional, and spatial information, amino acid conservation, physicochemical variation, residue mobility, and thermodynamic stability) performed at Invitae indicates that this missense variant is not expected to disrupt FLCN protein function. ClinVar contains an entry for this variant (Variation ID: 843120). This variant has not been reported in the literature in individuals affected with FLCN-related conditions. This variant is not present in population databases (gnomAD no frequency). This sequence change replaces serine, which is neutral and polar, with asparagine, which is neutral and polar, at codon 421 of the FLCN protein (p.Ser421Asn).

PreventionGenetics, part of Exact Sciences
Classification: Uncertain significance for FLCN-related condition. Last evaluated: 2024-03-09. Review status: no assertion criteria provided. Collection method: clinical testing. Allele origin: germline. Not counted in ClinVar's aggregate classification.
Comment: The FLCN c.1262G>A variant is predicted to result in the amino acid substitution p.Ser421Asn. To our knowledge, this variant has not been reported in the literature or in a large population database, indicating this variant is rare. This variant is interpreted as a variant of uncertain significance in ClinVar. At this time, the clinical significance of this variant is uncertain due to the absence of conclusive functional and genetic evidence.